The following is an entry in ClinVar:

ClinVar aggregate classification (germline): Uncertain significance. Review status: criteria provided, multiple submitters, no conflicts (2 of 4 stars). 3 submissions from 3 submitters: Uncertain significance (3). Last evaluated 2025-08-22.

Conditions:
Familial thoracic aortic aneurysm and aortic dissection (TAAD). Also called: Thoracic aortic aneurysms and dissections. Identifiers: Orphanet 91387, MedGen C4707243, MONDO:0019625.

Allele frequency attached by ClinVar (database versions not stated): gnomAD 0.00001; TOPMed 0.00002.
gnomAD v4.1: 3 of 1,613,956 alleles (0.00019%); highest among the groups gnomAD compares: Admixed American, 0.0017%; no homozygotes.

Submissions (3):

Ambry Genetics
Classification: Uncertain significance for Familial thoracic aortic aneurysm and aortic dissection. Last evaluated: 2025-08-22. Review status: criteria provided, single submitter. Criteria: Ambry Variant Classification Scheme 2023. Collection method: clinical testing. Allele origin: germline.

GeneDx
Classification: Uncertain significance. Last evaluated: 2023-11-08. Review status: criteria provided, single submitter. Criteria: GeneDx Variant Classification Process June 2021. Collection method: clinical testing. Allele origin: germline. Affected: yes.
Comment: Not observed at significant frequency in large population cohorts (gnomAD); In silico analysis supports that this missense variant does not alter protein structure/function; Has not been previously published as pathogenic or benign to our knowledge; This variant is associated with the following publications: (PMID: 21529752)

Color Diagnostics, LLC DBA Color Health
Classification: Uncertain significance for Familial thoracic aortic aneurysm and aortic dissection. Last evaluated: 2019-08-27. Review status: criteria provided, single submitter. Criteria: ACMG Guidelines, 2015. Collection method: clinical testing. Allele origin: germline.

NM_002474.3(MYH11):c.5912G>C (p.Ser1971Thr)

Genes: MYH11 (myosin heavy chain 11; minus strand), NDE1 (nudE neurodevelopment protein 1; plus strand). Cytogenetic location: 16p13.11.
Variant type: single nucleotide variant.
Coding change: c.5912G>C on transcript NM_002474.3 (MANE Select); coding-DNA position 5912, G replaced by C.
Protein change: p.Ser1971Thr; replaces serine 1971 with threonine.
Molecular consequence: missense variant. On other transcripts: 3 prime UTR variant (2), intron variant (2).
Genome position (GRCh38, 1-based): chr16:15,703,998, C>G on the plus strand (G>C on the coding strand, the complement: MYH11 is on the minus strand). VCF-style: chr16-15703998-C-G. GRCh37 (hg19) VCF-style: chr16-15797855-C-G.
Other names: c.5912G>C (NM_002474.2); c.*134G>C (NM_001040113.2, NM_022844.3); c.5933G>C, p.Ser1978Thr (NM_001040114.2); c.947+7138C>G (NM_001143979.2, NM_017668.3); short protein forms S1971T, S1978T.
Identifiers: ClinVar variation 922387 (VCV000922387.4), dbSNP rs914328780, ClinGen allele CA394843397.